The following is an entry in ClinVar:

NM_004370.6(COL12A1):c.8336G>C (p.Arg2779Pro)

Gene: COL12A1 (collagen type XII alpha 1 chain; minus strand). Cytogenetic location: 6q13.
Variant type: single nucleotide variant.
Coding change: c.8336G>C on transcript NM_004370.6 (MANE Select); coding-DNA position 8336, G replaced by C.
Protein change: p.Arg2779Pro; replaces arginine 2779 with proline.
Molecular consequence: missense variant.
Genome position (GRCh38, 1-based): chr6:75,102,676, C>G on the plus strand (G>C on the coding strand, the complement: COL12A1 is on the minus strand). VCF-style: chr6-75102676-C-G. GRCh37 (hg19) VCF-style: chr6-75812392-C-G.
Other names: c.8336G>C (NM_004370.5); c.4844G>C, p.Arg1615Pro (NM_080645.3); short protein forms R1615P, R2779P.
Identifiers: ClinVar variation 1968366 (VCV001968366.8), dbSNP rs190917891, ClinGen allele CA364739749.

ClinVar aggregate classification (germline): Uncertain significance. Review status: criteria provided, multiple submitters, no conflicts (2 of 4 stars). 2 submissions from 2 submitters: Uncertain significance (2). Last evaluated 2022-06-29.

Conditions:
Ullrich congenital muscular dystrophy 2 (UCMD2). Identifiers: Orphanet 75840, MedGen C4225314, MONDO:0014654, OMIM 616470.
Bethlem myopathy 2 (BTHLM2). Identifiers: Orphanet 536516, Orphanet 610, MedGen C4225313, MONDO:0034022, OMIM 616471.

Submissions (2):

Labcorp Genetics (formerly Invitae), Labcorp
Classification: Uncertain significance for Bethlem myopathy 2; Ullrich congenital muscular dystrophy 2. Last evaluated: 2022-06-29. Review status: criteria provided, single submitter. Criteria: Invitae Variant Classification Sherloc (09022015). Collection method: clinical testing. Allele origin: germline.
Comment: In summary, the available evidence is currently insufficient to determine the role of this variant in disease. Therefore, it has been classified as a Variant of Uncertain Significance. Algorithms developed to predict the effect of missense changes on protein structure and function are either unavailable or do not agree on the potential impact of this missense change (SIFT: "Deleterious"; PolyPhen-2: "Benign"; Align-GVGD: "Class C0"). This variant has not been reported in the literature in individuals affected with COL12A1-related conditions. This variant is not present in population databases (gnomAD no frequency). This sequence change replaces arginine, which is basic and polar, with proline, which is neutral and non-polar, at codon 2779 of the COL12A1 protein (p.Arg2779Pro).

Revvity Omics, Revvity
Classification: Uncertain significance. Last evaluated: 2019-09-13. Review status: criteria provided, single submitter. Criteria: ACMG Guidelines, 2015. Collection method: clinical testing. Allele origin: germline.